The following is an entry in ClinVar:

NM_000265.7(NCF1):c.300G>A (p.Thr100=)

Genes: NCF1 (neutrophil cytosolic factor 1; plus strand), LOC106029312 (Williams-Beuren syndrome medial block B recombination region; plus strand). Cytogenetic location: 7q11.23.
Variant type: single nucleotide variant.
Coding change: c.300G>A on transcript NM_000265.7 (MANE Select); coding-DNA position 300, G replaced by A.
Protein change: p.Thr100=; no amino-acid change (threonine 100 retained).
Molecular consequence: synonymous variant.
Genome position (GRCh38, 1-based): chr7:74,779,327, G>A. VCF-style: chr7-74779327-G-A. GRCh37 (hg19) VCF-style: chr7-74193673-G-A.
Identifiers: ClinVar variation 3770908 (VCV003770908.13).

ClinVar aggregate classification (germline): Likely benign (1 of 4 stars; one submission).

gnomAD v4.1: 28 of 1,607,054 alleles (0.0017%); highest among the groups gnomAD compares: South Asian, 0.0066%; no homozygotes.

Submission:

CeGaT Center for Human Genetics Tuebingen
Classification: Likely benign. Last evaluated: 2024-12-01. Review status: criteria provided, single submitter. Criteria: CeGaT Center For Human Genetics Tuebingen Variant Classification Criteria Version 2. Collection method: clinical testing. Allele origin: germline. Affected: yes. Observed: 1 variant allele.
Comment: NCF1: BP4, BP7